The following is an entry in ClinVar:

ClinVar aggregate classification (germline): Uncertain significance. Review status: criteria provided, multiple submitters, no conflicts (2 of 4 stars). 4 submissions from 4 submitters: Uncertain significance (4). Last evaluated 2026-06-08.

Conditions:
Inborn genetic diseases. Identifiers: MedGen C0950123, MeSH D030342.

Allele frequency attached by ClinVar (database versions not stated): ExAC 0.00001; gnomAD exomes 0.00001; TOPMed 0.00001; gnomAD 0.00002.
gnomAD v4.1: 20 of 1,614,088 alleles (0.0012%); highest among the groups gnomAD compares: Middle Eastern, 0.016%; no homozygotes.

Submissions (4):

Revvity Omics, Revvity
Classification: Uncertain significance. Last evaluated: 2026-06-08. Review status: criteria provided, single submitter. Criteria: ACMG Guidelines, 2015. Collection method: clinical testing. Allele origin: germline.

Women's Health and Genetics/Laboratory Corporation of America, LabCorp
Classification: Uncertain significance. Last evaluated: 2025-07-29. Review status: criteria provided, single submitter. Criteria: LabCorp Variant Classification Summary - May 2015. Collection method: clinical testing. Allele origin: germline.
Comment: Variant summary: CNNM2 c.1466C>G (p.Ser489Cys) results in a non-conservative amino acid change in the encoded protein sequence. Algorithms developed to predict the effect of missense changes on protein structure and function all suggest that this variant is likely to be disruptive. The variant allele was found at a frequency of 4e-06 in 251494 control chromosomes. The available data on variant occurrences in the general population are insufficient to allow any conclusion about variant significance. To our knowledge, no occurrence of c.1466C>G in individuals affected with CNNM2-Related Disorders and no experimental evidence demonstrating its impact on protein function have been reported. ClinVar contains an entry for this variant (Variation ID: 2052281). Based on the evidence outlined above, the variant was classified as uncertain significance.

Ambry Genetics
Classification: Uncertain significance for Inborn genetic diseases. Last evaluated: 2023-09-12. Review status: criteria provided, single submitter. Criteria: Ambry Variant Classification Scheme 2023. Collection method: clinical testing. Allele origin: germline.

Labcorp Genetics (formerly Invitae), Labcorp
Classification: Uncertain significance. Last evaluated: 2022-08-20. Review status: criteria provided, single submitter. Criteria: Invitae Variant Classification Sherloc (09022015). Collection method: clinical testing. Allele origin: germline.
Comment: This sequence change replaces serine, which is neutral and polar, with cysteine, which is neutral and slightly polar, at codon 489 of the CNNM2 protein (p.Ser489Cys). In summary, the available evidence is currently insufficient to determine the role of this variant in disease. Therefore, it has been classified as a Variant of Uncertain Significance. Algorithms developed to predict the effect of missense changes on protein structure and function are either unavailable or do not agree on the potential impact of this missense change (SIFT: "Deleterious"; PolyPhen-2: "Benign"; Align-GVGD: "Class C0"). This variant has not been reported in the literature in individuals affected with CNNM2-related conditions. This variant is present in population databases (rs775787922, gnomAD 0.002%).

NM_017649.5(CNNM2):c.1466C>G (p.Ser489Cys)

Gene: CNNM2 (cyclin and CBS domain divalent metal cation transport mediator 2; plus strand). Cytogenetic location: 10q24.32.
Variant type: single nucleotide variant.
Coding change: c.1466C>G on transcript NM_017649.5 (MANE Select); coding-DNA position 1466, C replaced by G.
Protein change: p.Ser489Cys; replaces serine 489 with cysteine.
Molecular consequence: missense variant.
Genome position (GRCh38, 1-based): chr10:102,919,946, C>G. VCF-style: chr10-102919946-C-G. GRCh37 (hg19) VCF-style: chr10-104679703-C-G.
Other names: c.1466C>G (NM_017649.3); c.1466C>G, p.Ser489Cys (NM_199076.3, NM_199077.3); short protein forms S489C.
Identifiers: ClinVar variation 2052281 (VCV002052281.8), dbSNP rs775787922, ClinGen allele CA5670376.